The following is an entry in ClinVar:

NM_006767.4(LZTR1):c.1574T>A (p.Met525Lys)

Gene: LZTR1 (leucine zipper like post translational regulator 1; plus strand). Cytogenetic location: 22q11.21.
Variant type: single nucleotide variant.
Coding change: c.1574T>A on transcript NM_006767.4 (MANE Select); coding-DNA position 1574, T replaced by A.
Protein change: p.Met525Lys; replaces methionine 525 with lysine.
Molecular consequence: missense variant.
Genome position (GRCh38, 1-based): chr22:20,994,228, T>A. VCF-style: chr22-20994228-T-A. GRCh37 (hg19) VCF-style: chr22-21348517-T-A.
Other names: c.1574T>A (NM_006767.3); short protein forms M525K.
Identifiers: ClinVar variation 2811845 (VCV002811845.4), dbSNP rs1303204189, ClinGen allele CA410776054.

ClinVar aggregate classification (germline): Uncertain significance. Review status: criteria provided, multiple submitters, no conflicts (2 of 4 stars). 2 submissions from 2 submitters: Uncertain significance (2). Last evaluated 2024-01-19.

Conditions:
Cardiovascular phenotype. Identifiers: MedGen CN230736.
Hereditary cancer-predisposing syndrome. Also called: Tumor predisposition; Hereditary Cancer Syndrome; Hereditary neoplastic syndrome; Neoplastic Syndromes, Hereditary. Identifiers: Orphanet 140162, MedGen C0027672, MeSH D009386, MONDO:0015356.

Submissions (2):

Labcorp Genetics (formerly Invitae), Labcorp
Classification: Uncertain significance. Last evaluated: 2024-01-19. Review status: criteria provided, single submitter. Criteria: Invitae Variant Classification Sherloc (09022015). Collection method: clinical testing. Allele origin: germline.
Comment: This sequence change replaces methionine, which is neutral and non-polar, with lysine, which is basic and polar, at codon 525 of the LZTR1 protein (p.Met525Lys). This variant is present in population databases (no rsID available, gnomAD 0.0009%). This variant has not been reported in the literature in individuals affected with LZTR1-related conditions. Advanced modeling of protein sequence and biophysical properties (such as structural, functional, and spatial information, amino acid conservation, physicochemical variation, residue mobility, and thermodynamic stability) performed at Invitae indicates that this missense variant is not expected to disrupt LZTR1 protein function with a negative predictive value of 80%. In summary, the available evidence is currently insufficient to determine the role of this variant in disease. Therefore, it has been classified as a Variant of Uncertain Significance.

Ambry Genetics
Classification: Uncertain significance for Cardiovascular phenotype; Hereditary cancer-predisposing syndrome. Last evaluated: 2023-12-08. Review status: criteria provided, single submitter. Criteria: Ambry Variant Classification Scheme 2023. Collection method: clinical testing. Allele origin: germline.
Comment: The p.M525K variant (also known as c.1574T>A), located in coding exon 14 of the LZTR1 gene, results from a T to A substitution at nucleotide position 1574. The methionine at codon 525 is replaced by lysine, an amino acid with similar properties. This amino acid position is conserved. In addition, this alteration is predicted to be deleterious by in silico analysis. Since supporting evidence is limited at this time, the clinical significance of this alteration remains unclear.